The following is an entry in ClinVar:

NM_001042492.3(NF1):c.581T>G (p.Leu194Arg)

Gene: NF1 (neurofibromin 1; plus strand). Cytogenetic location: 17q11.2.
Variant type: single nucleotide variant.
Coding change: c.581T>G on transcript NM_001042492.3 (MANE Select); coding-DNA position 581, T replaced by G.
Protein change: p.Leu194Arg; replaces leucine 194 with arginine.
Molecular consequence: missense variant.
Genome position (GRCh38, 1-based): chr17:31,169,992, T>G. VCF-style: chr17-31169992-T-G. GRCh37 (hg19) VCF-style: chr17-29497010-T-G.
Other names: c.581T>G, p.Leu194Arg (NM_000267.4, NM_001128147.3); short protein forms L194R.
Identifiers: ClinVar variation 68356 (VCV000068356.6), dbSNP rs199474753, ClinGen allele CA219607.

ClinVar aggregate classification (germline): Pathogenic. Review status: criteria provided, single submitter (1 of 4 stars). 2 submissions from 2 submitters: Pathogenic (1). 1 of the submissions does not count toward it. Last evaluated 2022-04-20.

Conditions:
Neurofibromatosis, type 1 (NF1). Also called: Peripheral type neurofibromatosis; VON RECKLINGHAUSEN DISEASE; NEUROFIBROMATOSIS, TYPE I, SOMATIC; Neurofibromatosis, type I. Identifiers: Orphanet 636, MedGen C0027831, MONDO:0018975, OMIM 162200. Disease mechanism: loss of function.

Allele frequency attached by ClinVar (database versions not stated): gnomAD exomes below 0.00001.

Submissions (2):

Labcorp Genetics (formerly Invitae), Labcorp
Classification: Pathogenic for Neurofibromatosis, type 1. Last evaluated: 2022-04-20. Review status: criteria provided, single submitter. Criteria: Invitae Variant Classification Sherloc (09022015). Collection method: clinical testing. Allele origin: germline.
Comment: Advanced modeling of protein sequence and biophysical properties (such as structural, functional, and spatial information, amino acid conservation, physicochemical variation, residue mobility, and thermodynamic stability) performed at Invitae indicates that this missense variant is expected to disrupt NF1 protein function. ClinVar contains an entry for this variant (Variation ID: 68356). This missense change has been observed in individual(s) with neurofibromatosis-Noonan syndrome (PMID: 16380919). In at least one individual the variant was observed to be de novo. This variant is present in population databases (rs199474753, gnomAD 0.006%). This sequence change replaces leucine, which is neutral and non-polar, with arginine, which is basic and polar, at codon 194 of the NF1 protein (p.Leu194Arg). This variant disrupts the p.Leu194 amino acid residue in NF1. Other variant(s) that disrupt this residue have been determined to be pathogenic (PMID: 27322474; Invitae). This suggests that this residue is clinically significant, and that variants that disrupt this residue are likely to be disease-causing. For these reasons, this variant has been classified as Pathogenic.

UniProtKB/Swiss-Prot
No classification provided. Review status: no classification provided. Collection method: not provided. Allele origin: not provided. Not counted in ClinVar's aggregate classification.

Literature cited by the submitters: PubMed 16380919 (cited by Labcorp Genetics (formerly Invitae), Labcorp); PubMed 27322474 (cited by Labcorp Genetics (formerly Invitae), Labcorp).